The following is an entry in ClinVar:

NM_052947.4(ALPK2):c.4784G>C (p.Arg1595Pro)

Genes: ALPK2 (alpha kinase 2; minus strand), LOC126862764 (BRD4-independent group 4 enhancer GRCh37_chr18:56202574-56203773; plus strand). Cytogenetic location: 18q21.31.
Variant type: single nucleotide variant.
Coding change: c.4784G>C on transcript NM_052947.4 (MANE Select); coding-DNA position 4784, G replaced by C.
Protein change: p.Arg1595Pro; replaces arginine 1595 with proline.
Molecular consequence: missense variant.
Genome position (GRCh38, 1-based): chr18:58,535,403, C>G on the plus strand (G>C on the coding strand, the complement: ALPK2 is on the minus strand). VCF-style: chr18-58535403-C-G. GRCh37 (hg19) VCF-style: chr18-56202635-C-G.
Other names: short protein forms R1595P.
Identifiers: ClinVar variation 1743063 (VCV001743063.2), dbSNP rs138737333, ClinGen allele CA402559802.
Genomic context (GRCh38, chr18:58,535,403, plus strand): 5'-TCAGGAGATGAAGTACAAGGGAACCTGGTAAGATCAGGAGAAGAGGGCAAAGGTTTCCCA[C>G]GCTCATTCTCAATAGTTCCCCTTTTCTGTGAAACAGGAAACACATACTGACGCTTTCTGG-3'
Protein context (NP_443179.3, residues 1585-1605): SQKRGTIENE[Arg1595Pro]GKPLPSSPDL

ClinVar aggregate classification (germline): Uncertain significance (1 of 4 stars; one submission).

gnomAD v4.1: 2 of 1,614,074 alleles (0.00012%); highest among the groups gnomAD compares: African/African-American, 0.0013%; no homozygotes.

Submission:

Ambry Genetics
Classification: Uncertain significance. Last evaluated: 2022-10-29. Review status: criteria provided, single submitter. Criteria: Ambry Variant Classification Scheme 2023. Collection method: clinical testing. Allele origin: germline.
Comment: The p.R1595P variant (also known as c.4784G>C), located in coding exon 4 of the ALPK2 gene, results from a G to C substitution at nucleotide position 4784. The arginine at codon 1595 is replaced by proline, an amino acid with dissimilar properties. This amino acid position is conserved. In addition, this alteration is predicted to be tolerated by in silico analysis. Since supporting evidence is limited at this time, the clinical significance of this alteration remains unclear.